The following is an entry in ClinVar:

NM_001379180.1(ESRRB):c.483G>A (p.Pro161=)

Gene: ESRRB (estrogen related receptor beta; plus strand). Cytogenetic location: 14q24.3.
Variant type: single nucleotide variant.
Coding change: c.483G>A on transcript NM_001379180.1 (MANE Select); coding-DNA position 483, G replaced by A.
Protein change: p.Pro161=; no amino-acid change (proline 161 retained).
Molecular consequence: synonymous variant.
Genome position (GRCh38, 1-based): chr14:76,462,567, G>A. VCF-style: chr14-76462567-G-A. GRCh37 (hg19) VCF-style: chr14-76928910-G-A.
Other names: c.420G>A, p.Pro140= (NM_004452.4).
Identifiers: ClinVar variation 666696 (VCV000666696.11), dbSNP rs778645048, ClinGen allele CA7281599.

ClinVar aggregate classification (germline): Likely benign. Review status: criteria provided, multiple submitters, no conflicts (2 of 4 stars). 2 submissions from 2 submitters: Likely benign (2). Last evaluated 2025-03-29.

Allele frequency attached by ClinVar (database versions not stated): ExAC 0.00005; gnomAD 0.00006; gnomAD exomes 0.00006 and 0.00011; TOPMed 0.00009.

Submissions (2):

Labcorp Genetics (formerly Invitae), Labcorp
Classification: Likely benign. Last evaluated: 2025-03-29. Review status: criteria provided, single submitter. Criteria: Invitae Variant Classification Sherloc (09022015). Collection method: clinical testing. Allele origin: germline.

Laboratory for Molecular Medicine, Mass General Brigham Personalized Medicine
Classification: Likely benign. Last evaluated: 2017-08-23. Review status: criteria provided, single submitter. Criteria: LMM Criteria. Collection method: clinical testing. Allele origin: germline. Observed: 1 variant allele.
Comment: p.Pro140Pro in exon 5 of ESRRB: This variant is not expected to have clinical si gnificance because it does not alter an amino acid residue and is not located wi thin the splice consensus sequence. It has been identified in 0.01% (6/66268) of European chromosomes by the Exome Aggregation Consortium (ExAC; dbSNP rs778645048).